The following is an entry in ClinVar:

NM_000234.3(LIG1):c.1174C>T (p.Leu392Phe)

Gene: LIG1 (DNA ligase 1; minus strand). Cytogenetic location: 19q13.33.
Variant type: single nucleotide variant.
Coding change: c.1174C>T on transcript NM_000234.3 (MANE Select); coding-DNA position 1174, C replaced by T.
Protein change: p.Leu392Phe; replaces leucine 392 with phenylalanine.
Molecular consequence: missense variant. On other transcripts: non-coding transcript variant (6).
Genome position (GRCh38, 1-based): chr19:48,137,602, G>A on the plus strand (C>T on the coding strand, the complement: LIG1 is on the minus strand). VCF-style: chr19-48137602-G-A. GRCh37 (hg19) VCF-style: chr19-48640859-G-A.
Other names: c.1081C>T, p.Leu361Phe (NM_001289063.2); c.970C>T, p.Leu324Phe (NM_001289064.2); c.1171C>T, p.Leu391Phe (NM_001320970.2); c.1084C>T, p.Leu362Phe (NM_001320971.2); short protein forms L324F, L361F, L362F, L391F, L392F.
Identifiers: ClinVar variation 1719362 (VCV001719362.5), dbSNP rs2514124726, ClinGen allele CA406649543.
Genomic context (GRCh38, chr19:48,137,602, plus strand): 5'-CGATGTCGCGGAACTTGCTGAAGACCCCGGAGGCAGTGAGCGGAGGTGGTGGCAGCATGA[G>A]CCTCTGGGTGCTGCGGCTGTTCTCGGCCACCAGCCCCACGTCGCCTTTCTCGGCTGCCTC-3'
Protein context (NP_000225.1, residues 382-402): VAENSRSTQR[Leu392Phe]MLPPPPLTAS

ClinVar aggregate classification (germline): Uncertain significance (1 of 4 stars; one submission).

Submission:

Labcorp Genetics (formerly Invitae), Labcorp
Classification: Uncertain significance. Last evaluated: 2022-07-19. Review status: criteria provided, single submitter. Criteria: Invitae Variant Classification Sherloc (09022015). Collection method: clinical testing. Allele origin: germline.
Comment: This sequence change replaces leucine, which is neutral and non-polar, with phenylalanine, which is neutral and non-polar, at codon 392 of the LIG1 protein (p.Leu392Phe). In summary, the available evidence is currently insufficient to determine the role of this variant in disease. Therefore, it has been classified as a Variant of Uncertain Significance. Algorithms developed to predict the effect of missense changes on protein structure and function output the following: SIFT: "Tolerated"; PolyPhen-2: "Benign"; Align-GVGD: "Class C0". The phenylalanine amino acid residue is found in multiple mammalian species, which suggests that this missense change does not adversely affect protein function. This variant has not been reported in the literature in individuals affected with LIG1-related conditions. This variant is not present in population databases (gnomAD no frequency).